The following is an entry in ClinVar:

ClinVar aggregate classification (germline): Likely benign (1 of 4 stars; one submission).

Allele frequency attached by ClinVar (database versions not stated): ExAC 0.00001; gnomAD exomes 0.00001 and 0.00002; TOPMed 0.00002.

Submission:

CeGaT Center for Human Genetics Tuebingen
Classification: Likely benign. Last evaluated: 2022-05-01. Review status: criteria provided, single submitter. Criteria: CeGaT Center For Human Genetics Tuebingen Variant Classification Criteria Version 2. Collection method: clinical testing. Allele origin: germline. Affected: yes. Observed: 1 variant allele.
Comment: GRN: BP4

NM_002087.4(GRN):c.631G>A (p.Ala211Thr)

Gene: GRN (granulin precursor; plus strand). Cytogenetic location: 17q21.31.
Variant type: single nucleotide variant.
Coding change: c.631G>A on transcript NM_002087.4 (MANE Select); coding-DNA position 631, G replaced by A.
Protein change: p.Ala211Thr; replaces alanine 211 with threonine.
Molecular consequence: missense variant.
Genome position (GRCh38, 1-based): chr17:44,350,723, G>A. VCF-style: chr17-44350723-G-A. GRCh37 (hg19) VCF-style: chr17-42428091-G-A.
Other names: short protein forms A211T.
Identifiers: ClinVar variation 1694846 (VCV001694846.31), dbSNP rs750483739, ClinGen allele CA8601961.
Genomic context (GRCh38, chr17:44,350,723, plus strand): 5'-CTGCCCCTCACGTTTGCTCCTCTTCCAGTGGCCTTGTCCAGCTCGGTCATGTGTCCGGAC[G>A]CACGGTCCCGGTGCCCTGATGGTTCTACCTGCTGTGAGCTGCCCAGTGGGAAGTATGGCT-3'
Protein context (NP_002078.1, residues 201-221): ALSSSVMCPD[Ala211Thr]RSRCPDGSTC